The following is an entry in ClinVar:

ClinVar aggregate classification (germline): Uncertain significance (1 of 4 stars; one submission).

Conditions:
SETD1B-related disorder. Also called: SETD1B-related condition.

Allele frequency attached by ClinVar (database versions not stated): gnomAD exomes below 0.00001.
gnomAD v4.1: 1 of 1,526,550 alleles (0.000066%); highest among the groups gnomAD compares: Non-Finnish European, 0.000088%; no homozygotes.

Submission:

PreventionGenetics, part of Exact Sciences
Classification: Uncertain significance for SETD1B-related condition. Last evaluated: 2023-04-19. Review status: criteria provided, single submitter. Criteria: ACMG Guidelines, 2015. Collection method: clinical testing. Allele origin: germline.
Comment: The SETD1B c.2981C>A variant is predicted to result in the amino acid substitution p.Ser994Tyr. To our knowledge, this variant has not been reported in the literature or in a large population database, indicating this variant is rare. At this time, the clinical significance of this variant is uncertain due to the absence of conclusive functional and genetic evidence.

NM_001353345.2(SETD1B):c.2981C>A (p.Ser994Tyr)

Gene: SETD1B (SET domain containing 1B, histone lysine methyltransferase; plus strand). Cytogenetic location: 12q24.31.
Variant type: single nucleotide variant.
Coding change: c.2981C>A on transcript NM_001353345.2 (MANE Select); coding-DNA position 2981, C replaced by A.
Protein change: p.Ser994Tyr; replaces serine 994 with tyrosine.
Molecular consequence: missense variant.
Genome position (GRCh38, 1-based): chr12:121,817,373, C>A. VCF-style: chr12-121817373-C-A. GRCh37 (hg19) VCF-style: chr12-122255279-C-A.
Other names: NM_015048.1:c.2981C>A; short protein forms S994Y.
Identifiers: ClinVar variation 2632806 (VCV002632806.1), dbSNP rs2500212634, ClinGen allele CA386995874.